The following is an entry in ClinVar:

ClinVar aggregate classification (germline): Likely pathogenic (1 of 4 stars; one submission).

Submission:

Labcorp Genetics (formerly Invitae), Labcorp
Classification: Likely pathogenic. Last evaluated: 2023-11-17. Review status: criteria provided, single submitter. Criteria: Invitae Variant Classification Sherloc (09022015). Collection method: clinical testing. Allele origin: germline.
Comment: This sequence change affects an acceptor splice site in intron 33 of the USH2A gene. It is expected to disrupt RNA splicing. Variants that disrupt the donor or acceptor splice site typically lead to a loss of protein function (PMID: 16199547), and loss-of-function variants in USH2A are known to be pathogenic (PMID: 10729113, 10909849, 20507924, 25649381). This variant is not present in population databases (gnomAD no frequency). This variant has not been reported in the literature in individuals affected with USH2A-related conditions. Algorithms developed to predict the effect of sequence changes on RNA splicing suggest that this variant may disrupt the consensus splice site. In summary, the currently available evidence indicates that the variant is pathogenic, but additional data are needed to prove that conclusively. Therefore, this variant has been classified as Likely Pathogenic.

Literature cited by the submitters: PubMed 16199547; PubMed 10729113; PubMed 10909849; PubMed 20507924; PubMed 25649381.

NM_206933.4(USH2A):c.6486-2A>G

Gene: USH2A (usherin; minus strand). Cytogenetic location: 1q41.
Variant type: single nucleotide variant.
Coding change: c.6486-2A>G on transcript NM_206933.4 (MANE Select); the canonical splice acceptor site of the intron before coding-DNA position 6486, A replaced by G.
Molecular consequence: splice acceptor variant.
Genome position (GRCh38, 1-based): chr1:215,999,060, T>C on the plus strand (A>G on the coding strand, the complement: USH2A is on the minus strand). VCF-style: chr1-215999060-T-C. GRCh37 (hg19) VCF-style: chr1-216172402-T-C.
Identifiers: ClinVar variation 2829487 (VCV002829487.3), dbSNP rs2527619379, ClinGen allele CA344861552.